The following is an entry in ClinVar:

ClinVar aggregate classification (germline): Likely benign (1 of 4 stars; one submission).

Allele frequency attached by ClinVar (database versions not stated): gnomAD 0.00001.

Submission:

CeGaT Center for Human Genetics Tuebingen
Classification: Likely benign. Last evaluated: 2024-01-01. Review status: criteria provided, single submitter. Criteria: CeGaT Center For Human Genetics Tuebingen Variant Classification Criteria Version 2. Collection method: clinical testing. Allele origin: germline. Affected: yes. Observed: 1 variant allele.
Comment: CUX1: BP4, BP7

NM_181552.4(CUX1):c.4185C>A (p.Pro1395=)

Gene: CUX1 (cut like homeobox 1; plus strand). Cytogenetic location: 7q22.1.
Variant type: single nucleotide variant.
Coding change: c.4185C>A on transcript NM_181552.4 (MANE Select); coding-DNA position 4185, C replaced by A.
Protein change: p.Pro1395=; no amino-acid change (proline 1395 retained).
Molecular consequence: synonymous variant. On other transcripts: intron variant (5).
Genome position (GRCh38, 1-based): chr7:102,248,709, C>A. VCF-style: chr7-102248709-C-A. GRCh37 (hg19) VCF-style: chr7-101891989-C-A.
Other names: c.4218C>A, p.Pro1406= (NM_001202543.2); c.1256-24657C>A (NM_001913.5); c.1250-24657C>A (NM_181500.4); c.1118-24657C>A (NM_001202545.3); c.1208-24657C>A (NM_001202544.3); c.1139-24657C>A (NM_001202546.3).
Identifiers: ClinVar variation 3026500 (VCV003026500.22), dbSNP rs1399834339, ClinGen allele CA456930763.
Genomic context (GRCh38, chr7:102,248,709, plus strand): 5'-GCCGCCCTCGGGGACCCCGGGCCCGGACGACGCCCGCGACGACGACCACGAGGGAGGCCC[C>A]GTGGAAGGCCCGGGGCCCCTGCCCAGCCCCGCCTCCGCGACCGCCACCGCCGCGCCCGCG-3'
Protein context (NP_853530.2, residues 1385-1405): DARDDDHEGG[Pro1395=]VEGPGPLPSP